The following is an entry in ClinVar:

NM_001349338.3(FOXP1):c.180+262T>G

Gene: FOXP1 (forkhead box P1; minus strand). Cytogenetic location: 3p13.
Variant type: single nucleotide variant.
Coding change: c.180+262T>G on transcript NM_001349338.3 (MANE Select); 262 bases into the intron after coding-DNA position 180, T replaced by G.
Molecular consequence: intron variant. On other transcripts: missense variant (1).
Genome position (GRCh38, 1-based): chr3:71,197,940, A>C on the plus strand (T>G on the coding strand, the complement: FOXP1 is on the minus strand). VCF-style: chr3-71197940-A-C. GRCh37 (hg19) VCF-style: chr3-71247091-A-C.
Other names: c.309T>G, p.Ser103Arg (NM_001012505.2); c.180+262T>G (NM_001244810.2, NM_032682.6, NM_001349340.3 and 5 more transcripts); short protein forms S103R.
Identifiers: ClinVar variation 2653967 (VCV002653967.24), dbSNP rs759817771, ClinGen allele CA353564518.

ClinVar aggregate classification (germline): Uncertain significance (1 of 4 stars; one submission).

gnomAD v4.1: 6 of 1,614,186 alleles (0.00037%); highest among the groups gnomAD compares: Non-Finnish European, 0.00042%; no homozygotes.

Submission:

CeGaT Center for Human Genetics Tuebingen
Classification: Uncertain significance. Last evaluated: 2023-02-01. Review status: criteria provided, single submitter. Criteria: CeGaT Center For Human Genetics Tuebingen Variant Classification Criteria Version 2. Collection method: clinical testing. Allele origin: germline. Affected: yes. Observed: 1 variant allele.
Comment: FOXP1: PM2, BP4